The following is an entry in ClinVar:

ClinVar aggregate classification (germline): Likely benign (0 of 4 stars; one submission).

Conditions:
ABCA5-related disorder. Also called: ABCA5-related condition.

Allele frequency attached by ClinVar (database versions not stated): gnomAD exomes below 0.00001; ExAC 0.00001; gnomAD 0.00001; TOPMed 0.00002; ESP Exome Variant Server 0.00008.
gnomAD v4.1: 12 of 1,612,500 alleles (0.00074%); highest among the groups gnomAD compares: African/African-American, 0.0053%; no homozygotes.

Submission:

PreventionGenetics, part of Exact Sciences
Classification: Likely benign for ABCA5-related condition. Last evaluated: 2019-03-12. Review status: no assertion criteria provided. Collection method: clinical testing. Allele origin: germline.
Comment: This variant is classified as likely benign based on ACMG/AMP sequence variant interpretation guidelines (Richards et al. 2015 PMID: 25741868, with internal and published modifications).

NM_172232.4(ABCA5):c.1663A>C (p.Arg555=)

Gene: ABCA5 (ATP binding cassette subfamily A member 5; minus strand). Cytogenetic location: 17q24.3.
Variant type: single nucleotide variant.
Coding change: c.1663A>C on transcript NM_172232.4 (MANE Select); coding-DNA position 1663, A replaced by C.
Protein change: p.Arg555=; no amino-acid change (arginine 555 retained).
Molecular consequence: synonymous variant.
Genome position (GRCh38, 1-based): chr17:69,289,981, T>G on the plus strand (A>C on the coding strand, the complement: ABCA5 is on the minus strand). VCF-style: chr17-69289981-T-G. GRCh37 (hg19) VCF-style: chr17-67286122-T-G.
Other names: c.1663A>C, p.Arg555= (NM_018672.5).
Identifiers: ClinVar variation 3047459 (VCV003047459.2), dbSNP rs372048049, ClinGen allele CA8737542.